The following is an entry in ClinVar:

NM_000095.3(COMP):c.794T>C (p.Leu265Pro)

Gene: COMP (cartilage oligomeric matrix protein; minus strand). Cytogenetic location: 19p13.11.
Variant type: single nucleotide variant.
Coding change: c.794T>C on transcript NM_000095.3 (MANE Select); coding-DNA position 794, T replaced by C.
Protein change: p.Leu265Pro; replaces leucine 265 with proline.
Molecular consequence: missense variant.
Genome position (GRCh38, 1-based): chr19:18,788,483, A>G on the plus strand (T>C on the coding strand, the complement: COMP is on the minus strand). VCF-style: chr19-18788483-A-G. GRCh37 (hg19) VCF-style: chr19-18899292-A-G.
Other names: short protein forms L265P.
Identifiers: ClinVar variation 2115534 (VCV002115534.4), dbSNP rs2512852017, ClinGen allele CA404892920.

ClinVar aggregate classification (germline): Uncertain significance (1 of 4 stars; one submission).

Submission:

Labcorp Genetics (formerly Invitae), Labcorp
Classification: Uncertain significance. Last evaluated: 2022-04-04. Review status: criteria provided, single submitter. Criteria: Invitae Variant Classification Sherloc (09022015). Collection method: clinical testing. Allele origin: germline.
Comment: This sequence change replaces leucine, which is neutral and non-polar, with proline, which is neutral and non-polar, at codon 265 of the COMP protein (p.Leu265Pro). This variant is not present in population databases (gnomAD no frequency). This missense change has been observed in individual(s) with epiphyseal dysplasia (PMID: 21922596). Advanced modeling of protein sequence and biophysical properties (such as structural, functional, and spatial information, amino acid conservation, physicochemical variation, residue mobility, and thermodynamic stability) performed at Invitae indicates that this missense variant is expected to disrupt COMP protein function. In summary, the available evidence is currently insufficient to determine the role of this variant in disease. Therefore, it has been classified as a Variant of Uncertain Significance.

Literature cited by the submitters: PubMed 21922596.